The following is an entry in ClinVar:

ClinVar aggregate classification (germline): Uncertain significance. Review status: criteria provided, multiple submitters, no conflicts (2 of 4 stars). 2 submissions from 2 submitters: Uncertain significance (2). Last evaluated 2025-10-08.

Conditions:
Cardiovascular phenotype. Identifiers: MedGen CN230736.
Atrioventricular septal defect 4 (AVSD4). Identifiers: MedGen C3280781, MONDO:0013747, OMIM 614430.

gnomAD v4.1: 1 of 1,528,032 alleles (0.000065%); highest among the groups gnomAD compares: Non-Finnish European, 0.000087%; no homozygotes.

Submissions (2):

Labcorp Genetics (formerly Invitae), Labcorp
Classification: Uncertain significance for Atrioventricular septal defect 4. Last evaluated: 2025-10-08. Review status: criteria provided, single submitter. Criteria: Invitae Variant Classification Sherloc (09022015). Collection method: clinical testing. Allele origin: germline.
Comment: This sequence change replaces alanine, which is neutral and non-polar, with threonine, which is neutral and polar, at codon 196 of the GATA4 protein (p.Ala196Thr). This variant is not present in population databases (gnomAD no frequency). This variant has not been reported in the literature in individuals affected with GATA4-related conditions. ClinVar contains an entry for this variant (Variation ID: 3098755). Invitae Evidence Modeling of protein sequence and biophysical properties (such as structural, functional, and spatial information, amino acid conservation, physicochemical variation, residue mobility, and thermodynamic stability) indicates that this missense variant is not expected to disrupt GATA4 protein function with a negative predictive value of 95%. In summary, the available evidence is currently insufficient to determine the role of this variant in disease. Therefore, it has been classified as a Variant of Uncertain Significance.

Ambry Genetics
Classification: Uncertain significance for Cardiovascular phenotype. Last evaluated: 2023-10-10. Review status: criteria provided, single submitter. Criteria: Ambry Variant Classification Scheme 2023. Collection method: clinical testing. Allele origin: germline.

NM_001308093.3(GATA4):c.586G>A (p.Ala196Thr)

Gene: GATA4 (GATA binding protein 4). Cytogenetic location: 8p23.1.
Variant type: single nucleotide variant.
Coding change: c.586G>A on transcript NM_001308093.3 (MANE Select); coding-DNA position 586, G replaced by A.
Protein change: p.Ala196Thr; replaces alanine 196 with threonine.
Molecular consequence: missense variant. On other transcripts: intron variant (3).
Genome position (GRCh38, 1-based): chr8:11,708,898, G>A. VCF-style: chr8-11708898-G-A. GRCh37 (hg19) VCF-style: chr8-11566407-G-A.
Other names: c.586G>A, p.Ala196Thr (NM_002052.5); c.-6+8120G>A (NM_001308094.2); c.-3+884G>A (NM_001374274.1); c.-3+4594G>A (NM_001374273.1); short protein forms A196T.
Identifiers: ClinVar variation 3098755 (VCV003098755.2), dbSNP rs1371654056, ClinGen allele CA370309936.